The following is an entry in ClinVar:

NM_000271.5(NPC1):c.3376A>C (p.Ile1126Leu)

Gene: NPC1 (NPC intracellular cholesterol transporter 1; minus strand). Cytogenetic location: 18q11.2.
Variant type: single nucleotide variant.
Coding change: c.3376A>C on transcript NM_000271.5 (MANE Select); coding-DNA position 3376, A replaced by C.
Protein change: p.Ile1126Leu; replaces isoleucine 1126 with leucine.
Molecular consequence: missense variant.
Genome position (GRCh38, 1-based): chr18:23,535,570, T>G on the plus strand (A>C on the coding strand, the complement: NPC1 is on the minus strand). VCF-style: chr18-23535570-T-G. GRCh37 (hg19) VCF-style: chr18-21115534-T-G.
Other names: short protein forms I1126L.
Identifiers: ClinVar variation 1965889 (VCV001965889.2), dbSNP rs2058617012, ClinGen allele CA401791341.

ClinVar aggregate classification (germline): Uncertain significance (1 of 4 stars; one submission).

Conditions:
Niemann-Pick disease, type C1. Also called: NIEMANN-PICK DISEASE, VARIANT TYPE C1; NEUROVISCERAL STORAGE DISEASE WITH VERTICAL SUPRANUCLEAR OPHTHALMOPLEGIA; NIEMANN-PICK DISEASE WITH CHOLESTEROL ESTERIFICATION BLOCK; NIEMANN-PICK DISEASE WITHOUT SPHINGOMYELINASE DEFICIENCY; NIEMANN-PICK DISEASE, CHRONIC NEURONOPATHIC FORM. Identifiers: Orphanet 646, MedGen C3179455, MONDO:0009757, OMIM 257220.

Submission:

Labcorp Genetics (formerly Invitae), Labcorp
Classification: Uncertain significance for Niemann-Pick disease, type C1. Last evaluated: 2022-06-27. Review status: criteria provided, single submitter. Criteria: Invitae Variant Classification Sherloc (09022015). Collection method: clinical testing. Allele origin: germline.
Comment: This sequence change replaces isoleucine, which is neutral and non-polar, with leucine, which is neutral and non-polar, at codon 1126 of the NPC1 protein (p.Ile1126Leu). This variant is not present in population databases (gnomAD no frequency). This variant has not been reported in the literature in individuals affected with NPC1-related conditions. Advanced modeling of protein sequence and biophysical properties (such as structural, functional, and spatial information, amino acid conservation, physicochemical variation, residue mobility, and thermodynamic stability) performed at Invitae indicates that this missense variant is not expected to disrupt NPC1 protein function. In summary, the available evidence is currently insufficient to determine the role of this variant in disease. Therefore, it has been classified as a Variant of Uncertain Significance.